The following is an entry in ClinVar:

NM_002485.5(NBN):c.320+8A>G

Gene: NBN (nibrin; minus strand). Cytogenetic location: 8q21.3.
Variant type: single nucleotide variant.
Coding change: c.320+8A>G on transcript NM_002485.5 (MANE Select); 8 bases into the intron after coding-DNA position 320, A replaced by G.
Molecular consequence: intron variant.
Genome position (GRCh38, 1-based): chr8:89,981,367, T>C on the plus strand (A>G on the coding strand, the complement: NBN is on the minus strand). VCF-style: chr8-89981367-T-C. GRCh37 (hg19) VCF-style: chr8-90993595-T-C.
Other names: c.74+8A>G (NM_001024688.3).
Identifiers: ClinVar variation 388982 (VCV000388982.11), dbSNP rs1057523296, ClinGen allele CA16605520.
Genomic context (GRCh38, chr8:89,981,367, plus strand): 5'-ATCATTTTCCTTTAGGATTTGGCTGAAACAAAGCTGTCCATTTTAAAATCAATTTTAAAA[T>C]GTCTTACCTGAATTTACTTCCAAACACTCCAAAAGTAATACCATCCCCCGACTTCAAAGT-3'

ClinVar aggregate classification (germline): Likely benign. Review status: criteria provided, multiple submitters, no conflicts (2 of 4 stars). 2 submissions from 2 submitters: Likely benign (2). Last evaluated 2024-02-24.

Conditions:
Microcephaly, normal intelligence and immunodeficiency (NBS). Also called: BERLIN BREAKAGE SYNDROME; Immunodeficiency, microcephaly with normal intelligence; Nijmegen breakage syndrome; Microcephaly with normal intelligence immunodeficiency and lymphoreticular malignancies; Nonsyndromal microcephaly autosomal recessive with normal intelligence; Seemanova syndrome 2. Identifiers: Orphanet 647, MedGen C0398791, MONDO:0009623, OMIM 251260.

Submissions (2):

Labcorp Genetics (formerly Invitae), Labcorp
Classification: Likely benign for Microcephaly, normal intelligence and immunodeficiency. Last evaluated: 2024-02-24. Review status: criteria provided, single submitter. Criteria: Invitae Variant Classification Sherloc (09022015). Collection method: clinical testing. Allele origin: germline.

GeneDx
Classification: Likely benign. Last evaluated: 2016-08-30. Review status: criteria provided, single submitter. Criteria: GeneDx Variant Classification (06012015). Collection method: clinical testing. Allele origin: germline. Affected: yes.
Comment: This variant is considered likely benign or benign based on one or more of the following criteria: it is a conservative change, it occurs at a poorly conserved position in the protein, it is predicted to be benign by multiple in silico algorithms, and/or has population frequency not consistent with disease.